The following is an entry in ClinVar:

NM_053025.4(MYLK):c.1586A>G (p.Gln529Arg)

Gene: MYLK (myosin light chain kinase; minus strand). Cytogenetic location: 3q21.1.
Variant type: single nucleotide variant.
Coding change: c.1586A>G on transcript NM_053025.4 (MANE Select); coding-DNA position 1586, A replaced by G.
Protein change: p.Gln529Arg; replaces glutamine 529 with arginine.
Molecular consequence: missense variant.
Genome position (GRCh38, 1-based): chr3:123,726,009, T>C on the plus strand (A>G on the coding strand, the complement: MYLK is on the minus strand). VCF-style: chr3-123726009-T-C. GRCh37 (hg19) VCF-style: chr3-123444856-T-C.
Other names: c.1058A>G, p.Gln353Arg (NM_001321309.2); c.1379A>G, p.Gln460Arg (NM_053026.4, NM_053028.4); c.1586A>G, p.Gln529Arg (NM_053027.4); short protein forms Q529R, Q353R, Q460R.
Identifiers: ClinVar variation 1775797 (VCV001775797.2), dbSNP rs1325399795, ClinGen allele CA354235683.

ClinVar aggregate classification (germline): Uncertain significance (1 of 4 stars; one submission).

Conditions:
Familial thoracic aortic aneurysm and aortic dissection (TAAD). Also called: Thoracic aortic aneurysms and dissections. Identifiers: Orphanet 91387, MedGen C4707243, MONDO:0019625.

Allele frequency attached by ClinVar (database versions not stated): gnomAD exomes 0.00001.
gnomAD v4.1: 12 of 1,614,216 alleles (0.00074%); highest among the groups gnomAD compares: South Asian, 0.013%; no homozygotes.

Submission:

Ambry Genetics
Classification: Uncertain significance for Familial thoracic aortic aneurysm and aortic dissection. Last evaluated: 2022-04-03. Review status: criteria provided, single submitter. Criteria: Ambry Variant Classification Scheme 2023. Collection method: clinical testing. Allele origin: germline.
Comment: The p.Q529R variant (also known as c.1586A>G), located in coding exon 9 of the MYLK gene, results from an A to G substitution at nucleotide position 1586. The glutamine at codon 529 is replaced by arginine, an amino acid with highly similar properties. This amino acid position is conserved. In addition, this alteration is predicted to be tolerated by in silico analysis. Since supporting evidence is limited at this time, the clinical significance of this alteration remains unclear.